The following is an entry in ClinVar:

ClinVar aggregate classification (germline): Uncertain significance (1 of 4 stars; one submission).

Conditions:
Cystic fibrosis (CF). Also called: MUCOVISCIDOSIS. Identifiers: Orphanet 586, MedGen C0010674, MONDO:0009061, OMIM 219700. Disease mechanism: loss of function.

Submission:

Labcorp Genetics (formerly Invitae), Labcorp
Classification: Uncertain significance for Cystic fibrosis. Last evaluated: 2020-03-04. Review status: criteria provided, single submitter. Criteria: Invitae Variant Classification Sherloc (09022015). Collection method: clinical testing. Allele origin: germline.
Comment: This variant is not present in population databases (ExAC no frequency). This variant has not been reported in the literature in individuals with CFTR-related conditions. Algorithms developed to predict the effect of missense changes on protein structure and function (SIFT, PolyPhen-2, Align-GVGD) all suggest that this variant is likely to be tolerated, but these predictions have not been confirmed by published functional studies and their clinical significance is uncertain. In summary, the available evidence is currently insufficient to determine the role of this variant in disease. Therefore, it has been classified as a Variant of Uncertain Significance. This sequence change replaces valine with glycine at codon 393 of the CFTR protein (p.Val393Gly). The valine residue is weakly conserved and there is a moderate physicochemical difference between valine and glycine.

NM_000492.4(CFTR):c.1178T>G (p.Val393Gly)

Gene: CFTR (CF transmembrane conductance regulator; plus strand). Cytogenetic location: 7q31.2.
Variant type: single nucleotide variant.
Coding change: c.1178T>G on transcript NM_000492.4 (MANE Select); coding-DNA position 1178, T replaced by G.
Protein change: p.Val393Gly; replaces valine 393 with glycine.
Molecular consequence: missense variant.
Genome position (GRCh38, 1-based): chr7:117,542,077, T>G. VCF-style: chr7-117542077-T-G. GRCh37 (hg19) VCF-style: chr7-117182131-T-G.
Other names: short protein forms V393G.
Identifiers: ClinVar variation 1043398 (VCV001043398.8), dbSNP rs1799062903, ClinGen allele CA368980151.